The following is an entry in ClinVar:

ClinVar aggregate classification (germline): Likely benign (0 of 4 stars; one submission).

Conditions:
NCOA1-related disorder. Also called: NCOA1-related condition.

Submission:

PreventionGenetics, part of Exact Sciences
Classification: Likely benign for NCOA1-related condition. Last evaluated: 2024-05-20. Review status: no assertion criteria provided. Collection method: clinical testing. Allele origin: germline.
Comment: This variant is classified as likely benign based on ACMG/AMP sequence variant interpretation guidelines (Richards et al. 2015 PMID: 25741868, with internal and published modifications).

NM_003743.5(NCOA1):c.3930A>C (p.Gly1310=)

Gene: NCOA1 (nuclear receptor coactivator 1; plus strand). Cytogenetic location: 2p23.3.
Variant type: single nucleotide variant.
Coding change: c.3930A>C on transcript NM_003743.5 (MANE Select); coding-DNA position 3930, A replaced by C.
Protein change: p.Gly1310=; no amino-acid change (glycine 1310 retained).
Molecular consequence: synonymous variant.
Genome position (GRCh38, 1-based): chr2:24,758,021, A>C. VCF-style: chr2-24758021-A-C. GRCh37 (hg19) VCF-style: chr2-24980890-A-C.
Other names: c.3930A>C, p.Gly1310= (NM_001362950.1, NM_001362952.1, NM_001362954.1 and 3 more transcripts).
Identifiers: ClinVar variation 3346721 (VCV003346721.1).